The following is an entry in ClinVar:

ClinVar aggregate classification (germline): Uncertain significance (1 of 4 stars; one submission).

Conditions:
Progressive familial heart block type IB (PFHB1B). Identifiers: Orphanet 871, MedGen C1970298, MONDO:0011474, OMIM 604559.

gnomAD v4.1: 9 of 1,554,474 alleles (0.00058%); highest among the groups gnomAD compares: Non-Finnish European, 0.00078%; no homozygotes.

Submission:

Labcorp Genetics (formerly Invitae), Labcorp
Classification: Uncertain significance for Progressive familial heart block type IB. Last evaluated: 2022-09-07. Review status: criteria provided, single submitter. Criteria: Invitae Variant Classification Sherloc (09022015). Collection method: clinical testing. Allele origin: germline.
Comment: Algorithms developed to predict the effect of missense changes on protein structure and function output the following: SIFT: "Tolerated"; PolyPhen-2: "Benign"; Align-GVGD: "Class C0". The arginine amino acid residue is found in multiple mammalian species, which suggests that this missense change does not adversely affect protein function. ClinVar contains an entry for this variant (Variation ID: 1055167). This variant has not been reported in the literature in individuals affected with TRPM4-related conditions. This variant is not present in population databases (gnomAD no frequency). This sequence change replaces proline, which is neutral and non-polar, with arginine, which is basic and polar, at codon 750 of the TRPM4 protein (p.Pro750Arg). In summary, the available evidence is currently insufficient to determine the role of this variant in disease. Therefore, it has been classified as a Variant of Uncertain Significance.

NM_017636.4(TRPM4):c.2249C>G (p.Pro750Arg)

Gene: TRPM4 (transient receptor potential cation channel subfamily M member 4; plus strand). Cytogenetic location: 19q13.33.
Variant type: single nucleotide variant.
Coding change: c.2249C>G on transcript NM_017636.4 (MANE Select); coding-DNA position 2249, C replaced by G.
Protein change: p.Pro750Arg; replaces proline 750 with arginine.
Molecular consequence: missense variant. On other transcripts: intron variant (1).
Genome position (GRCh38, 1-based): chr19:49,196,478, C>G. VCF-style: chr19-49196478-C-G. GRCh37 (hg19) VCF-style: chr19-49699735-C-G.
Other names: c.1904C>G, p.Pro635Arg (NM_001321281.2); c.641C>G, p.Pro214Arg (NM_001321282.2); c.1727C>G, p.Pro576Arg (NM_001321283.2); c.1187C>G, p.Pro396Arg (NM_001321285.2); c.2211-3822C>G (NM_001195227.2); short protein forms P214R, P396R, P576R, P635R, P750R.
Identifiers: ClinVar variation 1055167 (VCV001055167.9), dbSNP rs776873603, ClinGen allele CA309454842.